The following is an entry in ClinVar:

NM_000051.4(ATM):c.513C>T (p.Tyr171=)

Gene: ATM (ATM serine/threonine kinase; plus strand). Cytogenetic location: 11q22.3.
Variant type: single nucleotide variant.
Coding change: c.513C>T on transcript NM_000051.4 (MANE Select); coding-DNA position 513, C replaced by T.
Protein change: p.Tyr171=; no amino-acid change (tyrosine 171 retained).
Molecular consequence: synonymous variant.
Genome position (GRCh38, 1-based): chr11:108,243,969, C>T. VCF-style: chr11-108243969-C-T. GRCh37 (hg19) VCF-style: chr11-108114696-C-T.
Other names: c.513C>T (NM_000051.3); c.513C>T, p.Tyr171= (NM_001351834.2).
Identifiers: ClinVar variation 802727 (VCV000802727.11), dbSNP rs786201693, ClinGen allele CA476671381.

ClinVar aggregate classification (germline): Conflicting classifications of pathogenicity. Review status: criteria provided, conflicting classifications (1 of 4 stars). 6 submissions from 6 submitters: Likely pathogenic (3); Uncertain significance (2). 1 of the submissions does not count toward it. Last evaluated 2025-03-03.

Conditions:
ATM-related disorder. Also called: ATM-related disorders; ATM-related condition.
Familial colorectal cancer type X. Identifiers: Orphanet 440437, MedGen C3896578, MONDO:0018604.
Ataxia-telangiectasia syndrome (AT). Also called: Ataxia-telangiectasia, complementation group E; Ataxia-telangiectasia, complementation group D; Ataxia telangiectasia (A-T); LOUIS-BAR SYNDROME; ATAXIA-TELANGIECTASIA, COMPLEMENTATION GROUP A; ATAXIA-TELANGIECTASIA, FRESNO VARIANT. Identifiers: Orphanet 100, MedGen C0004135, MONDO:0008840, OMIM 208900.

Submissions (6):

Natera, Inc.
Classification: Likely pathogenic for Ataxia-telangiectasia. Last evaluated: 2025-03-03. Review status: criteria provided, single submitter. Criteria: Natera Variant Classification Schema (03/2026). Collection method: clinical testing. Allele origin: germline.
Comment: The c.513C>T variant in ATM is a synonymous variant that does not alter the encoded amino acid at position 171 (p.Y171=). This variant is rare in the general population with a frequency below the threshold expected for the associated phenotype(s). This variant has been observed in one or more individuals affected with the associated recessive disease, as either homozygous or compound heterozygous with a second variant (PMID: 14695534, 25122203). Functional studies show that this variant may disrupt protein function (PMID: 14695534). Given the available evidence, this variant is classified as Likely Pathogenic.

Labcorp Genetics (formerly Invitae), Labcorp
Classification: Uncertain significance for Ataxia-telangiectasia syndrome. Last evaluated: 2023-01-03. Review status: criteria provided, single submitter. Criteria: Invitae Variant Classification Sherloc (09022015). Collection method: clinical testing. Allele origin: germline.
Comment: Studies have shown that this variant results in activation of a cryptic splice site and introduces a premature termination codon (PMID: 14695534). The resulting mRNA is expected to undergo nonsense-mediated decay. In summary, the available evidence is currently insufficient to determine the role of this variant in disease. Therefore, it has been classified as a Variant of Uncertain Significance. ClinVar contains an entry for this variant (Variation ID: 802727). This variant has been observed in individual(s) with ataxia-telangiectasia (PMID: 14695534). This variant is not present in population databases (gnomAD no frequency). This sequence change affects codon 171 of the ATM mRNA. It is a 'silent' change, meaning that it does not change the encoded amino acid sequence of the ATM protein. RNA analysis indicates that this variant induces altered splicing and may result in an absent or disrupted protein product.

Revvity Omics, Revvity
Classification: Likely pathogenic for Ataxia-telangiectasia syndrome. Last evaluated: 2022-11-29. Review status: criteria provided, single submitter. Criteria: ACMG Guidelines, 2015. Collection method: clinical testing. Allele origin: germline.

Department of Pathology and Laboratory Medicine, Sinai Health System
Classification: Uncertain significance for Familial colorectal cancer type X. Last evaluated: 2021-01-21. Review status: criteria provided, single submitter. Criteria: ACMG Guidelines, 2015. Collection method: clinical testing. Allele origin: germline. Affected: yes.

Mendelics
Classification: Likely pathogenic for Ataxia-telangiectasia syndrome. Last evaluated: 2019-05-28. Review status: criteria provided, single submitter. Criteria: Mendelics Assertion Criteria 2017. Collection method: clinical testing. Allele origin: unknown.

PreventionGenetics, part of Exact Sciences
Classification: Likely pathogenic for ATM-related condition. Last evaluated: 2024-08-27. Review status: no assertion criteria provided. Collection method: clinical testing. Allele origin: germline. Not counted in ClinVar's aggregate classification.
Comment: The ATM c.513C>T variant is not predicted to result in an amino acid change (p.=). This variant has been reported as homozygous in an individual with ataxia telangiectasia (Table 1, Eng et al. 2004. PubMed ID: 14695534). Although this variant results in a silent protein change, it causes a splicing defect by activating a cryptic splice site that results in a premature termination codon (Eng et al. 2004. PubMed ID: 14695534). This variant has not been reported in a large population database, indicating this variant is rare. This variant has conflicting interpretations regarding its pathogenicity in ClinVar, ranging from uncertain to likely pathogenic. This variant is interpreted as likely pathogenic.

Literature cited by the submitters: PubMed 14695534 (cited by 3 submitters); PubMed 25122203 (cited by Natera, Inc.).